The following is an entry in ClinVar:

ClinVar aggregate classification (germline): Uncertain significance (1 of 4 stars; one submission).

Conditions:
Congenital disorder of glycosylation (CDG). Also called: Carbohydrate-deficient glycoprotein syndrome; Congenital disorders of glycosylation. Identifiers: Orphanet 137, MedGen C0282577, MONDO:0015286.

Submission:

Labcorp Genetics (formerly Invitae), Labcorp
Classification: Uncertain significance for Congenital disorder of glycosylation. Last evaluated: 2022-05-27. Review status: criteria provided, single submitter. Criteria: Invitae Variant Classification Sherloc (09022015). Collection method: clinical testing. Allele origin: germline.
Comment: In summary, the available evidence is currently insufficient to determine the role of this variant in disease. Therefore, it has been classified as a Variant of Uncertain Significance. Algorithms developed to predict the effect of missense changes on protein structure and function are either unavailable or do not agree on the potential impact of this missense change (SIFT: "Not Available"; PolyPhen-2: "Possibly Damaging"; Align-GVGD: "Not Available"). This variant has not been reported in the literature in individuals affected with RPN2-related conditions. This variant is not present in population databases (gnomAD no frequency). This sequence change replaces arginine, which is basic and polar, with serine, which is neutral and polar, at codon 536 of the RPN2 protein (p.Arg536Ser).

NM_002951.5(RPN2):c.1608G>T (p.Arg536Ser)

Gene: RPN2 (ribophorin II; plus strand). Cytogenetic location: 20q11.23.
Variant type: single nucleotide variant.
Coding change: c.1608G>T on transcript NM_002951.5 (MANE Select); coding-DNA position 1608, G replaced by T.
Protein change: p.Arg536Ser; replaces arginine 536 with serine.
Molecular consequence: missense variant. On other transcripts: intron variant (2).
Genome position (GRCh38, 1-based): chr20:37,232,322, G>T. VCF-style: chr20-37232322-G-T. GRCh37 (hg19) VCF-style: chr20-35860725-G-T.
Other names: c.1512G>T, p.Arg504Ser (NM_001135771.3); c.1656G>T, p.Arg552Ser (NM_001324301.2, NM_001324305.2); c.1608G>T, p.Arg536Ser (NM_001324303.2, NM_001324304.2); c.1137G>T, p.Arg379Ser (NM_001324306.2); c.1582-1698G>T (NM_001324299.2, NM_001324302.2); short protein forms R504S, R552S, R379S, R536S.
Identifiers: ClinVar variation 2063362 (VCV002063362.4), dbSNP rs2515854179, ClinGen allele CA408851074.